The following is an entry in ClinVar:

NM_001267550.2(TTN):c.104498C>T (p.Ala34833Val)

Genes: TTN-AS1 (TTN antisense RNA 1; plus strand), TTN (titin; minus strand). Cytogenetic location: 2q31.2.
Variant type: single nucleotide variant.
Coding change: c.104498C>T on transcript NM_001267550.2 (MANE Select); coding-DNA position 104498, C replaced by T.
Protein change: p.Ala34833Val; replaces alanine 34833 with valine.
Molecular consequence: missense variant.
Genome position (GRCh38, 1-based): chr2:178,532,117, G>A on the plus strand (C>T on the coding strand, the complement: TTN is on the minus strand). VCF-style: chr2-178532117-G-A. GRCh37 (hg19) VCF-style: chr2-179396844-G-A.
Other names: c.104498C>T (LRG_391t1); c.99575C>T, p.Ala33192Val (NM_001256850.1); c.77303C>T, p.Ala25768Val (NM_003319.4); c.96794C>T, p.Ala32265Val (NM_133378.4); c.77678C>T, p.Ala25893Val (NM_133432.3); c.77879C>T, p.Ala25960Val (NM_133437.4); short protein forms A34833V, A25960V, A25893V, A32265V, A25768V, A33192V.
Identifiers: ClinVar variation 586861 (VCV000586861.4), dbSNP rs1164350939, ClinGen allele CA349411541.

ClinVar aggregate classification (germline): Uncertain significance. Review status: criteria provided, multiple submitters, no conflicts (2 of 4 stars). 2 submissions from 2 submitters: Uncertain significance (2). Last evaluated 2025-03-29.

Conditions:
Dilated cardiomyopathy 1G (CMD1G). Identifiers: Orphanet 154, MedGen C1858763, MONDO:0011400, OMIM 604145.
Autosomal recessive limb-girdle muscular dystrophy type 2J (LGMDR10). Also called: Limb-girdle muscular dystrophy, type 2J; MUSCULAR DYSTROPHY, LIMB-GIRDLE, AUTOSOMAL RECESSIVE 10. Identifiers: Orphanet 140922, MedGen C1837342, MONDO:0012127, OMIM 608807.

Allele frequency attached by ClinVar (database versions not stated): gnomAD exomes below 0.00001 and 0.00001; TOPMed 0.00001.
gnomAD v4.1: 11 of 1,613,938 alleles (0.00068%); highest among the groups gnomAD compares: East Asian, 0.011%; no homozygotes.

Submissions (2):

Labcorp Genetics (formerly Invitae), Labcorp
Classification: Uncertain significance for Dilated cardiomyopathy 1G; Autosomal recessive limb-girdle muscular dystrophy type 2J. Last evaluated: 2025-03-29. Review status: criteria provided, single submitter. Criteria: Invitae Variant Classification Sherloc (09022015). Collection method: clinical testing. Allele origin: germline.
Comment: This sequence change replaces alanine, which is neutral and non-polar, with valine, which is neutral and non-polar, at codon 34833 of the TTN protein (p.Ala34833Val). This variant is present in population databases (no rsID available, gnomAD 0.006%). This variant has not been reported in the literature in individuals affected with TTN-related conditions. ClinVar contains an entry for this variant (Variation ID: 586861). An algorithm developed to predict the effect of missense changes on protein structure and function outputs the following: PolyPhen-2: "Not Available". The valine amino acid residue is found in multiple mammalian species, which suggests that this missense change does not adversely affect protein function. This variant is located in the M band of TTN (PMID: 25589632). Non-truncating variants in this region may be relevant for neuromuscular disorders, but have not been definitively shown to cause cardiomyopathy (PMID: 23975875). In summary, the available evidence is currently insufficient to determine the role of this variant in disease. Therefore, it has been classified as a Variant of Uncertain Significance.

Athena Diagnostics
Classification: Uncertain significance. Last evaluated: 2018-06-27. Review status: criteria provided, single submitter. Criteria: Athena Diagnostics Criteria. Collection method: clinical testing. Allele origin: germline.

Literature cited by the submitters: PubMed 25589632 (cited by Labcorp Genetics (formerly Invitae), Labcorp); PubMed 23975875 (cited by Labcorp Genetics (formerly Invitae), Labcorp).